The following is an entry in ClinVar:

NM_000375.3(UROS):c.337G>A (p.Asp113Asn)

Gene: UROS (uroporphyrinogen III synthase; minus strand). Cytogenetic location: 10q26.2.
Variant type: single nucleotide variant.
Coding change: c.337G>A on transcript NM_000375.3 (MANE Select); coding-DNA position 337, G replaced by A.
Protein change: p.Asp113Asn; replaces aspartic acid 113 with asparagine.
Molecular consequence: missense variant. On other transcripts: non-coding transcript variant (4).
Genome position (GRCh38, 1-based): chr10:125,807,470, C>T on the plus strand (G>A on the coding strand, the complement: UROS is on the minus strand). VCF-style: chr10-125807470-C-T. GRCh37 (hg19) VCF-style: chr10-127496039-C-T.
Other names: c.337G>A, p.Asp113Asn (NM_001324036.2, NM_001324037.2, NM_001324038.2 and 1 more transcripts); c.337G>A (NM_000375.2); short protein forms D113N.
Identifiers: ClinVar variation 1406176 (VCV001406176.9), dbSNP rs754414355, ClinGen allele CA5738512.
Genomic context (GRCh38, chr10:125,807,470, plus strand): 5'-TACTGGAACAAATATATTCTGCAAGCTTTTCTGCATTTCCACAGGTTTCTCCTTCTGTAT[C>T]CAGGCCAATTTTACTCACTGGAAAACCACAAAGAAATGTATTTCTTAACACGGTTATTGA-3'
Protein context (NP_000366.1, residues 103-123): TASLVSKIGL[Asp113Asn]TEGETCGNAE

ClinVar aggregate classification (germline): Uncertain significance. Review status: criteria provided, multiple submitters, no conflicts (2 of 4 stars). 2 submissions from 2 submitters: Uncertain significance (2). Last evaluated 2025-11-20.

Conditions:
Inborn genetic diseases. Identifiers: MedGen C0950123, MeSH D030342.

gnomAD v4.1: 54 of 1,613,894 alleles (0.0033%); highest among the groups gnomAD compares: Non-Finnish European, 0.0041%; no homozygotes.

Submissions (2):

Ambry Genetics
Classification: Uncertain significance for Inborn genetic diseases. Last evaluated: 2025-11-20. Review status: criteria provided, single submitter. Criteria: Ambry Variant Classification Scheme 2023. Collection method: clinical testing. Allele origin: germline.

Labcorp Genetics (formerly Invitae), Labcorp
Classification: Uncertain significance. Last evaluated: 2024-05-27. Review status: criteria provided, single submitter. Criteria: Invitae Variant Classification Sherloc (09022015). Collection method: clinical testing. Allele origin: germline.
Comment: This sequence change replaces aspartic acid, which is acidic and polar, with asparagine, which is neutral and polar, at codon 113 of the UROS protein (p.Asp113Asn). This variant is present in population databases (rs754414355, gnomAD 0.007%). This variant has not been reported in the literature in individuals affected with UROS-related conditions. ClinVar contains an entry for this variant (Variation ID: 1406176). Advanced modeling of protein sequence and biophysical properties (such as structural, functional, and spatial information, amino acid conservation, physicochemical variation, residue mobility, and thermodynamic stability) performed at Invitae indicates that this missense variant is not expected to disrupt UROS protein function with a negative predictive value of 80%. In summary, the available evidence is currently insufficient to determine the role of this variant in disease. Therefore, it has been classified as a Variant of Uncertain Significance.